The following is an entry in ClinVar:

NM_001349884.2(DRAM2):c.693+14A>G

Gene: DRAM2 (DNA damage regulated autophagy modulator 2; minus strand). Cytogenetic location: 1p13.3.
Variant type: single nucleotide variant.
Coding change: c.693+14A>G on transcript NM_001349884.2 (MANE Select); 14 bases into the intron after coding-DNA position 693, A replaced by G.
Molecular consequence: intron variant.
Genome position (GRCh38, 1-based): chr1:111,118,791, T>C on the plus strand (A>G on the coding strand, the complement: DRAM2 is on the minus strand). VCF-style: chr1-111118791-T-C. GRCh37 (hg19) VCF-style: chr1-111661413-T-C.
Other names: c.693+14A>G (NM_001349885.2, NM_178454.6, NM_001349882.2 and 1 more transcripts); c.303+14A>G (NM_001349889.2, NM_001349890.2, NM_001349891.2 and 2 more transcripts); c.423+14A>G (NM_001349887.2, NM_001349886.2, NM_001349888.2).
Identifiers: ClinVar variation 677169 (VCV000677169.22), dbSNP rs325916, ClinGen allele CA1001757.

ClinVar aggregate classification (germline): Benign. Review status: criteria provided, multiple submitters, no conflicts (2 of 4 stars). 4 submissions from 4 submitters: Benign (4). Last evaluated 2026-02-03.

Conditions:
Cone-rod dystrophy 21. Also called: Retinal dystrophy with early macular involvement. Identifiers: Orphanet 1872, MedGen C4049066, MONDO:0014669, OMIM 616502, HP:0030635.

Allele frequency attached by ClinVar (database versions not stated): gnomAD 0.44754 and 0.44854; ExAC 0.45321; gnomAD exomes 0.39077 and 0.40512; ESP Exome Variant Server 0.45293; TOPMed 0.45356; 1000 Genomes Project 0.47644; 1000 Genomes Project 30x 0.47923.
gnomAD v4.1: 627,542 of 1,581,394 alleles (40%); highest among the groups gnomAD compares: African/African-American, 61%; 129,044 homozygotes.

Submissions (4):

Labcorp Genetics (formerly Invitae), Labcorp
Classification: Benign. Last evaluated: 2026-02-03. Review status: criteria provided, single submitter. Criteria: Invitae Variant Classification Sherloc (09022015). Collection method: clinical testing. Allele origin: germline.

Genome-Nilou Lab
Classification: Benign for Cone-rod dystrophy 21. Last evaluated: 2021-07-30. Review status: criteria provided, single submitter. Criteria: ACMG Guidelines, 2015. Collection method: clinical testing. Allele origin: germline. Affected: no.

GeneDx
Classification: Benign. Last evaluated: 2018-06-14. Review status: criteria provided, single submitter. Criteria: GeneDx Variant Classification (06012015). Collection method: clinical testing. Allele origin: germline. Affected: yes.
Comment: This variant is considered likely benign or benign based on one or more of the following criteria: it is a conservative change, it occurs at a poorly conserved position in the protein, it is predicted to be benign by multiple in silico algorithms, and/or has population frequency not consistent with disease.

Breakthrough Genomics
Classification: Benign. Review status: criteria provided, single submitter. Criteria: ACMG Guidelines, 2015. Collection method: not provided. Allele origin: germline. Inheritance: Autosomal recessive inheritance. Affected: yes.